The following is an entry in ClinVar:

NM_001128840.3(CACNA1D):c.3119A>G (p.Lys1040Arg)

Gene: CACNA1D (calcium voltage-gated channel subunit alpha1 D; plus strand). Cytogenetic location: 3p21.1.
Variant type: single nucleotide variant.
Coding change: c.3119A>G on transcript NM_001128840.3 (MANE Select); coding-DNA position 3119, A replaced by G.
Protein change: p.Lys1040Arg; replaces lysine 1040 with arginine.
Molecular consequence: missense variant.
Genome position (GRCh38, 1-based): chr3:53,745,827, A>G. VCF-style: chr3-53745827-A-G. GRCh37 (hg19) VCF-style: chr3-53779854-A-G.
Other names: c.3179A>G, p.Lys1060Arg (NM_000720.4); c.3119A>G, p.Lys1040Arg (NM_001128839.3); short protein forms K1040R, K1060R.
Identifiers: ClinVar variation 2431470 (VCV002431470.1), dbSNP rs2473941311, ClinGen allele CA353246611.

ClinVar aggregate classification (germline): Uncertain significance (1 of 4 stars; one submission).

Conditions:
Aldosterone-producing adenoma with seizures and neurological abnormalities. Also called: Primary aldosteronism, seizures, and neurologic abnormalities. Identifiers: Orphanet 369929, MedGen C3809609, MONDO:0014200, OMIM 615474.

Submission:

Laboratorio de Genetica e Diagnostico Molecular, Hospital Israelita Albert Einstein
Classification: Uncertain significance for Aldosterone-producing adenoma with seizures and neurological abnormalities. Last evaluated: 2022-12-22. Review status: criteria provided, single submitter. Criteria: ACMG Guidelines, 2015. Collection method: clinical testing. Allele origin: germline. Affected: yes. Observed: 1 variant allele.
Comment: ACMG classification criteria: PM2 moderated, PP2 supporting, PP3 supporting